The following is an entry in ClinVar:

ClinVar aggregate classification (germline): Benign. Review status: criteria provided, multiple submitters, no conflicts (2 of 4 stars). 4 submissions from 4 submitters: Benign (4). Last evaluated 2026-02-01.

Conditions:
VPS13A-related neurodegenerative disease. Also called: Choreoacanthocytosis; Chorea-acanthocytosis; LEVINE-CRITCHLEY SYNDROME; Choreaacanthocytosis; ACANTHOCYTOSIS WITH NEUROLOGIC DISORDER; VPS13A Disease. Identifiers: Orphanet 2388, MedGen C0393576, MONDO:0008695, OMIM 200150.

Allele frequency attached by ClinVar (database versions not stated): gnomAD exomes 0.00757 and 0.01096; ExAC 0.01404; 1000 Genomes Project 0.02196; gnomAD 0.02242 and 0.02367; 1000 Genomes Project 30x 0.02327; TOPMed 0.02410; ESP Exome Variant Server 0.02475.
gnomAD v4.1: 13,853 of 1,510,168 alleles (0.92%); highest among the groups gnomAD compares: African/African-American, 6.3%; 185 homozygotes.

Submissions (4):

Labcorp Genetics (formerly Invitae), Labcorp
Classification: Benign. Last evaluated: 2026-02-01. Review status: criteria provided, single submitter. Criteria: Invitae Variant Classification Sherloc (09022015). Collection method: clinical testing. Allele origin: germline.

GeneDx
Classification: Benign. Last evaluated: 2018-07-17. Review status: criteria provided, single submitter. Criteria: GeneDx Variant Classification Process June 2021. Collection method: clinical testing. Allele origin: germline. Affected: yes.

Illumina Laboratory Services, Illumina
Classification: Benign for VPS13A-related neurodegenerative disease. Last evaluated: 2018-01-13. Review status: criteria provided, single submitter. Criteria: ICSL Variant Classification Criteria 13 December 2019. Collection method: clinical testing. Allele origin: germline.
Comment: This variant was observed in the ICSL laboratory as part of a predisposition screen in an ostensibly healthy population. It had not been previously curated by ICSL or reported in the Human Gene Mutation Database (HGMD: prior to June 1st, 2018), and was therefore a candidate for classification through an automated scoring system. Utilizing variant allele frequency, disease prevalence and penetrance estimates, and inheritance mode, an automated score was calculated to assess if this variant is too frequent to cause the disease. Based on the score and internal cut-off values, a variant classified as benign is not then subjected to further curation. The score for this variant resulted in a classification of benign for this disease.

Breakthrough Genomics
Classification: Benign. Review status: criteria provided, single submitter. Criteria: ACMG Guidelines, 2015. Collection method: not provided. Allele origin: germline. Inheritance: Autosomal recessive inheritance. Affected: yes.

NM_033305.3(VPS13A):c.2964+13A>G

Gene: VPS13A (vacuolar protein sorting 13 homolog A; plus strand). Cytogenetic location: 9q21.2.
Variant type: single nucleotide variant.
Coding change: c.2964+13A>G on transcript NM_033305.3 (MANE Select); 13 bases into the intron after coding-DNA position 2964, A replaced by G.
Molecular consequence: intron variant.
Genome position (GRCh38, 1-based): chr9:77,281,939, A>G. VCF-style: chr9-77281939-A-G. GRCh37 (hg19) VCF-style: chr9-79896855-A-G.
Other names: c.2964+13A>G (NM_001018037.2, NM_015186.4, NM_001018038.3).
Identifiers: ClinVar variation 367370 (VCV000367370.15), dbSNP rs115996561, ClinGen allele CA5092105.